The following is an entry in ClinVar:

ClinVar aggregate classification (germline): Uncertain significance. Review status: criteria provided, multiple submitters, no conflicts (2 of 4 stars). 3 submissions from 3 submitters: Uncertain significance (2). 1 of the submissions does not count toward it. Last evaluated 2025-07-07.

Conditions:
Cardiovascular phenotype. Identifiers: MedGen CN230736.
Alstrom syndrome (ALMS). Identifiers: Orphanet 64, MedGen C0268425, MONDO:0008763, OMIM 203800.

Allele frequency attached by ClinVar (database versions not stated): gnomAD exomes below 0.00001.
gnomAD v4.1: 2 of 1,614,054 alleles (0.00012%); highest among the groups gnomAD compares: African/African-American, 0.0027%; no homozygotes.

Submissions (3):

Labcorp Genetics (formerly Invitae), Labcorp
Classification: Uncertain significance for Alstrom syndrome. Last evaluated: 2025-07-07. Review status: criteria provided, single submitter. Criteria: Invitae Variant Classification Sherloc (09022015). Collection method: clinical testing. Allele origin: germline.
Comment: This sequence change replaces proline with arginine at codon 1246 of the ALMS1 protein (p.Pro1246Arg). The proline residue is weakly conserved and there is a moderate physicochemical difference between proline and arginine. This variant is not present in population databases (gnomAD no frequency). This variant has not been reported in the literature in individuals affected with ALMS1-related conditions. ClinVar contains an entry for this variant (Variation ID: 1396321). Experimental studies and prediction algorithms are not available or were not evaluated, and the functional significance of this variant is currently unknown. In summary, the available evidence is currently insufficient to determine the role of this variant in disease. Therefore, it has been classified as a Variant of Uncertain Significance.

Ambry Genetics
Classification: Uncertain significance for Cardiovascular phenotype. Last evaluated: 2023-11-13. Review status: criteria provided, single submitter. Criteria: Ambry Variant Classification Scheme 2023. Collection method: clinical testing. Allele origin: germline.
Comment: The p.P1246R variant (also known as c.3737C>G), located in coding exon 8 of the ALMS1 gene, results from a C to G substitution at nucleotide position 3737. The proline at codon 1246 is replaced by arginine, an amino acid with dissimilar properties. This amino acid position is not well conserved in available vertebrate species. In addition, this alteration is predicted to be tolerated by in silico analysis. Since supporting evidence is limited at this time, the clinical significance of this alteration remains unclear.

Natera, Inc.
Classification: Uncertain significance for Alstrom syndrome. Last evaluated: 2025-04-10. Review status: no assertion criteria provided. Collection method: clinical testing. Allele origin: germline. Not counted in ClinVar's aggregate classification.

NM_001378454.1(ALMS1):c.3734C>G (p.Pro1245Arg)

Gene: ALMS1 (ALMS1 centrosome and basal body associated protein; plus strand). Cytogenetic location: 2p13.1.
Variant type: single nucleotide variant.
Coding change: c.3734C>G on transcript NM_001378454.1 (MANE Select); coding-DNA position 3734, C replaced by G.
Protein change: p.Pro1245Arg; replaces proline 1245 with arginine.
Molecular consequence: missense variant.
Genome position (GRCh38, 1-based): chr2:73,450,261, C>G. VCF-style: chr2-73450261-C-G. GRCh37 (hg19) VCF-style: chr2-73677388-C-G.
Other names: c.3737C>G, p.Pro1246Arg (NM_015120.4); short protein forms P1246R, P1245R.
Identifiers: ClinVar variation 1396321 (VCV001396321.6), dbSNP rs1558648928, ClinGen allele CA347276420.
Genomic context (GRCh38, chr2:73,450,261, plus strand): 5'-CTGACCAGAAGACTGGGACACCAACTCCAACCTCTGCTTCTTACTCACACACAGAGAAGC[C>G]TGGTATTTTCTACCAACAGGTCTTGCCAGATAATCATCCAACTGAAGAGGCTCTGAAAAT-3'
Protein context (NP_001365383.1, residues 1235-1255): TSASYSHTEK[Pro1245Arg]GIFYQQVLPD